The following is an entry in ClinVar:

NM_000092.5(COL4A4):c.3214G>A (p.Gly1072Arg)

Gene: COL4A4 (collagen type IV alpha 4 chain; minus strand). Cytogenetic location: 2q36.3.
Variant type: single nucleotide variant.
Coding change: c.3214G>A on transcript NM_000092.5 (MANE Select); coding-DNA position 3214, G replaced by A.
Protein change: p.Gly1072Arg; replaces glycine 1072 with arginine.
Molecular consequence: missense variant.
Genome position (GRCh38, 1-based): chr2:227,050,068, C>T on the plus strand (G>A on the coding strand, the complement: COL4A4 is on the minus strand). VCF-style: chr2-227050068-C-T. GRCh37 (hg19) VCF-style: chr2-227914784-C-T.
Other names: short protein forms G1072R.
Identifiers: ClinVar variation 4817329 (VCV004817329.1).

ClinVar aggregate classification (germline): Likely pathogenic (1 of 4 stars; one submission).

Conditions:
Alport syndrome. Also called: Hemorrhagic familial nephritis; Hemorrhagic hereditary nephritis; Congenital hereditary hematuria. Identifiers: Orphanet 63, MedGen C1567741, MONDO:0018965.

gnomAD v4.1: 3 of 1,614,020 alleles (0.00019%); highest among the groups gnomAD compares: Non-Finnish European, 0.00025%; no homozygotes.

Submission:

Natera, Inc.
Classification: Likely pathogenic for Alport syndrome. Last evaluated: 2025-08-29. Review status: criteria provided, single submitter. Criteria: Natera Variant Classification Schema (03/2026). Collection method: clinical testing. Allele origin: germline.
Comment: The c.3214G>A variant in COL4A4 is a missense variant predicted to cause substitution of glycine to arginine at amino acid 1072. This variant is rare in the general population with a frequency below the threshold expected for the associated phenotype(s). This variant is located in a functionally critical region of the protein. Computational prediction algorithms indicate this variant is likely to affect gene or protein function. Given the available evidence, this variant is classified as Likely Pathogenic.